The following is an entry in ClinVar:

ClinVar aggregate classification (germline): Uncertain significance. Review status: criteria provided, multiple submitters, no conflicts (2 of 4 stars). 2 submissions from 2 submitters: Uncertain significance (2). Last evaluated 2025-11-12.

Conditions:
Inborn genetic diseases. Identifiers: MedGen C0950123, MeSH D030342.
Autoimmune lymphoproliferative syndrome, type III caused by mutation in PRKCD. Identifiers: Orphanet 3261, Orphanet 664711, MedGen C3809928, MONDO:8000024, OMIM 615559.

Allele frequency attached by ClinVar (database versions not stated): gnomAD 0.00001; gnomAD exomes 0.00001 and 0.00003; TOPMed 0.00001; ExAC 0.00003.
gnomAD v4.1: 37 of 1,560,098 alleles (0.0024%); highest among the groups gnomAD compares: East Asian, 0.0074%; 1 homozygote.

Submissions (2):

Labcorp Genetics (formerly Invitae), Labcorp
Classification: Uncertain significance for Autoimmune lymphoproliferative syndrome, type III caused by mutation in PRKCD. Last evaluated: 2025-11-12. Review status: criteria provided, single submitter. Criteria: Invitae Variant Classification Sherloc (09022015). Collection method: clinical testing. Allele origin: germline.
Comment: This sequence change replaces lysine, which is basic and polar, with arginine, which is basic and polar, at codon 576 of the PRKCD protein (p.Lys576Arg). This variant is present in population databases (rs782006621, gnomAD 0.005%). This variant has not been reported in the literature in individuals affected with PRKCD-related conditions. ClinVar contains an entry for this variant (Variation ID: 1055623). An algorithm developed to predict the effect of missense changes on protein structure and function outputs the following: PolyPhen-2: "Benign". The arginine amino acid residue is found in multiple mammalian species, which suggests that this missense change does not adversely affect protein function. In summary, the available evidence is currently insufficient to determine the role of this variant in disease. Therefore, it has been classified as a Variant of Uncertain Significance.

Ambry Genetics
Classification: Uncertain significance for Inborn genetic diseases. Last evaluated: 2023-02-23. Review status: criteria provided, single submitter. Criteria: Ambry Variant Classification Scheme 2023. Collection method: clinical testing. Allele origin: germline.

NM_006254.4(PRKCD):c.1727A>G (p.Lys576Arg)

Gene: PRKCD (protein kinase C delta; plus strand). Cytogenetic location: 3p21.1.
Variant type: single nucleotide variant.
Coding change: c.1727A>G on transcript NM_006254.4 (MANE Select); coding-DNA position 1727, A replaced by G.
Protein change: p.Lys576Arg; replaces lysine 576 with arginine.
Molecular consequence: missense variant.
Genome position (GRCh38, 1-based): chr3:53,189,230, A>G. VCF-style: chr3-53189230-A-G. GRCh37 (hg19) VCF-style: chr3-53223246-A-G.
Other names: c.1727A>G, p.Lys576Arg (NM_001316327.2, NM_001354679.2, NM_001354680.2 and 1 more transcripts); c.1784A>G, p.Lys595Arg (NM_001354676.2); c.1775A>G, p.Lys592Arg (NM_001354678.2); c.1727A>G (NM_006254.3); short protein forms K576R, K592R, K595R.
Identifiers: ClinVar variation 1055623 (VCV001055623.5), dbSNP rs782006621, ClinGen allele CA2452261.